The following is an entry in ClinVar:

ClinVar aggregate classification (germline): Uncertain significance (1 of 4 stars; one submission).

Submission:

Women's Health and Genetics/Laboratory Corporation of America, LabCorp
Classification: Uncertain significance. Last evaluated: 2020-03-30. Review status: criteria provided, single submitter. Criteria: LabCorp Variant Classification Summary - May 2015. Collection method: clinical testing. Allele origin: germline.
Comment: Variant summary: FBN1 c.164+4A>G alters a conserved nucleotide located close to a canonical splice site and therefore could affect mRNA splicing, leading to a significantly altered protein sequence. Several computational tools predict a significant impact on normal splicing: Two predict the variant abolishes a 5' splicing donor site. Two predict the variant weakens a 5' donor site. However, these predictions have yet to be confirmed by functional studies. The variant was absent in 251348 control chromosomes (gnomAD). The available data on variant occurrences in the general population are insufficient to allow any conclusion about variant significance. To our knowledge, no occurrence of c.164+4A>G in individuals affected with Aortopathy and no experimental evidence demonstrating its impact on protein function have been reported. No clinical diagnostic laboratories have submitted clinical-significance assessments for this variant to ClinVar after 2014. Based on the evidence outlined above, the variant was classified as uncertain significance.

NM_000138.5(FBN1):c.164+4A>G

Gene: FBN1 (fibrillin 1; minus strand). Cytogenetic location: 15q21.1.
Variant type: single nucleotide variant.
Coding change: c.164+4A>G on transcript NM_000138.5 (MANE Select); 4 bases into the intron after coding-DNA position 164, A replaced by G.
Molecular consequence: intron variant.
Genome position (GRCh38, 1-based): chr15:48,644,602, T>C on the plus strand (A>G on the coding strand, the complement: FBN1 is on the minus strand). VCF-style: chr15-48644602-T-C. GRCh37 (hg19) VCF-style: chr15-48936799-T-C.
Identifiers: ClinVar variation 918150 (VCV000918150.1), dbSNP rs1890257515, ClinGen allele CA1139663960.